The following is an entry in ClinVar:

ClinVar aggregate classification (germline): Uncertain significance. Review status: criteria provided, multiple submitters, no conflicts (2 of 4 stars). 3 submissions from 3 submitters: Uncertain significance (3). Last evaluated 2025-08-28.

Conditions:
Inborn genetic diseases. Identifiers: MedGen C0950123, MeSH D030342.

Allele frequency attached by ClinVar (database versions not stated): TOPMed 0.00001.
gnomAD v4.1: 16 of 1,612,820 alleles (0.00099%); highest among the groups gnomAD compares: Admixed American, 0.0017%; no homozygotes.

Submissions (3):

Ambry Genetics
Classification: Uncertain significance for Inborn genetic diseases. Last evaluated: 2025-08-28. Review status: criteria provided, single submitter. Criteria: Ambry Variant Classification Scheme 2023. Collection method: clinical testing. Allele origin: germline.

Labcorp Genetics (formerly Invitae), Labcorp
Classification: Uncertain significance. Last evaluated: 2022-03-15. Review status: criteria provided, single submitter. Criteria: Invitae Variant Classification Sherloc (09022015). Collection method: clinical testing. Allele origin: germline.
Comment: In summary, the available evidence is currently insufficient to determine the role of this variant in disease. Therefore, it has been classified as a Variant of Uncertain Significance. Advanced modeling of protein sequence and biophysical properties (such as structural, functional, and spatial information, amino acid conservation, physicochemical variation, residue mobility, and thermodynamic stability) performed at Invitae indicates that this missense variant is not expected to disrupt PCYT1A protein function. This variant has not been reported in the literature in individuals affected with PCYT1A-related conditions. This variant is present in population databases (no rsID available, gnomAD 0.003%). This sequence change replaces glutamic acid, which is acidic and polar, with glutamine, which is neutral and polar, at codon 291 of the PCYT1A protein (p.Glu291Gln).

Blueprint Genetics
Classification: Uncertain significance. Last evaluated: 2019-11-25. Review status: criteria provided, single submitter. Criteria: ACMG Guidelines, 2015. Collection method: clinical testing. Allele origin: germline.

NM_001312673.2(PCYT1A):c.871G>C (p.Glu291Gln)

Gene: PCYT1A (phosphate cytidylyltransferase 1A, choline; minus strand). Cytogenetic location: 3q29.
Variant type: single nucleotide variant.
Coding change: c.871G>C on transcript NM_001312673.2 (MANE Select); coding-DNA position 871, G replaced by C.
Protein change: p.Glu291Gln; replaces glutamic acid 291 with glutamine.
Molecular consequence: missense variant.
Genome position (GRCh38, 1-based): chr3:196,239,573, C>G on the plus strand (G>C on the coding strand, the complement: PCYT1A is on the minus strand). VCF-style: chr3-196239573-C-G. GRCh37 (hg19) VCF-style: chr3-195966444-C-G.
Other names: c.871G>C (NM_005017.2); c.871G>C, p.Glu291Gln (NM_005017.4); short protein forms E291Q.
Identifiers: ClinVar variation 2112459 (VCV002112459.4), dbSNP rs1232207713, ClinGen allele CA355608378.